The following is an entry in ClinVar:

ClinVar aggregate classification (germline): Uncertain significance (1 of 4 stars; one submission).

Conditions:
Ichthyosis linearis circumflexa. Identifiers: MedGen C0265962, MONDO:0043106, HP:0025810.

Submission:

Labcorp Genetics (formerly Invitae), Labcorp
Classification: Uncertain significance for Ichthyosis linearis circumflexa. Last evaluated: 2023-08-04. Review status: criteria provided, single submitter. Criteria: Invitae Variant Classification Sherloc (09022015). Collection method: clinical testing. Allele origin: germline.
Comment: In summary, the available evidence is currently insufficient to determine the role of this variant in disease. Therefore, it has been classified as a Variant of Uncertain Significance. This sequence change replaces glycine, which is neutral and non-polar, with serine, which is neutral and polar, at codon 397 of the SPINK5 protein (p.Gly397Ser). Information on the frequency of this variant in the gnomAD database is not available, as this variant may be reported differently in the database. This variant has not been reported in the literature in individuals affected with SPINK5-related conditions. ClinVar contains an entry for this variant (Variation ID: 529164). Algorithms developed to predict the effect of missense changes on protein structure and function output the following: SIFT: "Not Available"; PolyPhen-2: "Not Available"; Align-GVGD: "Not Available". The serine amino acid residue is found in multiple mammalian species, which suggests that this missense change does not adversely affect protein function.

NM_006846.4(SPINK5):c.1188_1189inv (p.Gly397Ser)

Gene: SPINK5 (serine peptidase inhibitor Kazal type 5; plus strand). Cytogenetic location: 5q32.
Variant type: Inversion.
Coding change: c.1188_1189inv on transcript NM_006846.4 (MANE Select).
Protein change: p.Gly397Ser; replaces glycine 397 with serine.
Molecular consequence: missense variant.
Genome position: GRCh38 VCF-style: chr5-148100549-TG-CA. GRCh37 (hg19) VCF-style: chr5-147480112-TG-CA.
Other names: c.1188_1189inv, p.Gly397Ser (NM_001127698.2, NM_001127699.2); short protein forms G397S.
Identifiers: ClinVar variation 529164 (VCV000529164.9), ClinGen allele CA658796656.